The following is an entry in ClinVar:

NM_006648.4(WNK2):c.5702G>A (p.Arg1901Gln)

Gene: WNK2 (WNK lysine deficient protein kinase 2; plus strand). Cytogenetic location: 9q22.31.
Variant type: single nucleotide variant.
Coding change: c.5702G>A on transcript NM_006648.4 (MANE Select); coding-DNA position 5702, G replaced by A.
Protein change: p.Arg1901Gln; replaces arginine 1901 with glutamine.
Molecular consequence: missense variant.
Genome position (GRCh38, 1-based): chr9:93,293,167, G>A. VCF-style: chr9-93293167-G-A. GRCh37 (hg19) VCF-style: chr9-96055449-G-A.
Other names: c.5813G>A, p.Arg1938Gln (NM_001282394.3); short protein forms R1901Q, R1938Q.
Identifiers: ClinVar variation 2592410 (VCV002592410.3), dbSNP rs777244350, ClinGen allele CA5130661.

ClinVar aggregate classification (germline): Uncertain significance (1 of 4 stars; one submission).

Allele frequency attached by ClinVar (database versions not stated): TOPMed 0.00004; gnomAD 0.00010; 1000 Genomes Project 30x 0.00016.
gnomAD v4.1: 90 of 1,505,190 alleles (0.006%); highest among the groups gnomAD compares: Middle Eastern, 0.07%; 1 homozygote.

Submission:

Ambry Genetics
Classification: Uncertain significance. Last evaluated: 2024-11-23. Review status: criteria provided, single submitter. Criteria: Ambry Variant Classification Scheme 2023. Collection method: clinical testing. Allele origin: germline.
Comment: The p.R1901Q variant (also known as c.5702G>A), located in coding exon 22 of the WNK2 gene, results from a G to A substitution at nucleotide position 5702. The arginine at codon 1901 is replaced by glutamine, an amino acid with highly similar properties. This amino acid position is conserved. In addition, this alteration is predicted to be deleterious by in silico analysis. Based on the available evidence, the clinical significance of this variant remains unclear.